The following is an entry in ClinVar:

ClinVar aggregate classification (germline): Uncertain significance (1 of 4 stars; one submission).

Allele frequency attached by ClinVar (database versions not stated): gnomAD 0.00001; TOPMed 0.00001; ExAC 0.00002; gnomAD exomes 0.00002; 1000 Genomes Project 30x 0.00016; 1000 Genomes Project 0.00020.
gnomAD v4.1: 27 of 1,614,078 alleles (0.0017%); highest among the groups gnomAD compares: South Asian, 0.0033%; no homozygotes.

Submission:

Labcorp Genetics (formerly Invitae), Labcorp
Classification: Uncertain significance. Last evaluated: 2025-09-26. Review status: criteria provided, single submitter. Criteria: Invitae Variant Classification Sherloc (09022015). Collection method: clinical testing. Allele origin: germline.
Comment: This sequence change replaces serine, which is neutral and polar, with leucine, which is neutral and non-polar, at codon 221 of the FCHO1 protein (p.Ser221Leu). This variant is present in population databases (rs531090742, gnomAD 0.008%). This variant has not been reported in the literature in individuals affected with FCHO1-related conditions. ClinVar contains an entry for this variant (Variation ID: 1927650). An algorithm developed to predict the effect of missense changes on protein structure and function (PolyPhen-2) suggests that this variant is likely to be disruptive. In summary, the available evidence is currently insufficient to determine the role of this variant in disease. Therefore, it has been classified as a Variant of Uncertain Significance.

NM_015122.3(FCHO1):c.662C>T (p.Ser221Leu)

Gene: FCHO1 (FCH and mu domain containing endocytic adaptor 1; plus strand). Cytogenetic location: 19p13.11.
Variant type: single nucleotide variant.
Coding change: c.662C>T on transcript NM_015122.3 (MANE Select); coding-DNA position 662, C replaced by T.
Protein change: p.Ser221Leu; replaces serine 221 with leucine.
Molecular consequence: missense variant. On other transcripts: non-coding transcript variant (36).
Genome position (GRCh38, 1-based): chr19:17,772,524, C>T. VCF-style: chr19-17772524-C-T. GRCh37 (hg19) VCF-style: chr19-17883333-C-T.
Other names: c.662C>T, p.Ser221Leu (NM_001161357.2, NM_001161358.2, NM_001384370.1 and 26 more transcripts); c.512C>T, p.Ser171Leu (NM_001161359.2, NM_001384384.1, NM_001384385.1 and 3 more transcripts); c.623C>T, p.Ser208Leu (NM_001384388.1, NM_001384389.1, NM_001384405.1); c.587C>T, p.Ser196Leu (NM_001384390.1); short protein forms S171L, S208L, S221L, S196L.
Identifiers: ClinVar variation 1927650 (VCV001927650.3), dbSNP rs531090742, ClinGen allele CA9300180.
Genomic context (GRCh38, chr19:17,772,524, plus strand): 5'-AAGCCATGGAGGAGACACACCTGAGGCACATGAAGGCACTGCTGGGCTCATATGCTCACT[C>T]GGTGGAGGACACGCACGTGCAGATTGGGCAGGTGAGTTGGGCAGGTGTGAGGAATGAGGC-3'
Protein context (NP_055937.1, residues 211-231): MKALLGSYAH[Ser221Leu]VEDTHVQIGQ